The following is an entry in ClinVar:

ClinVar aggregate classification (germline): Likely benign. Review status: criteria provided, single submitter (1 of 4 stars). 2 submissions from 2 submitters: Likely benign (1). 1 of the submissions does not count toward it. Last evaluated 2023-08-17.

Conditions:
AK7-related disorder. Also called: AK7-related condition.

gnomAD v4.1: 52 of 1,613,988 alleles (0.0032%); highest among the groups gnomAD compares: East Asian, 0.0089%; no homozygotes.

Submissions (2):

Labcorp Genetics (formerly Invitae), Labcorp
Classification: Likely benign. Last evaluated: 2023-08-17. Review status: criteria provided, single submitter. Criteria: Invitae Variant Classification Sherloc (09022015). Collection method: clinical testing. Allele origin: germline.

PreventionGenetics, part of Exact Sciences
Classification: Likely benign for AK7-related condition. Last evaluated: 2019-07-31. Review status: no assertion criteria provided. Collection method: clinical testing. Allele origin: germline. Not counted in ClinVar's aggregate classification.
Comment: This variant is classified as likely benign based on ACMG/AMP sequence variant interpretation guidelines (Richards et al. 2015 PMID: 25741868, with internal and published modifications).

NM_152327.5(AK7):c.1845C>T (p.Asp615=)

Gene: AK7 (adenylate kinase 7; plus strand). Cytogenetic location: 14q32.2.
Variant type: single nucleotide variant.
Coding change: c.1845C>T on transcript NM_152327.5 (MANE Select); coding-DNA position 1845, C replaced by T.
Protein change: p.Asp615=; no amino-acid change (aspartic acid 615 retained).
Molecular consequence: synonymous variant.
Genome position (GRCh38, 1-based): chr14:96,483,090, C>T. VCF-style: chr14-96483090-C-T. GRCh37 (hg19) VCF-style: chr14-96949427-C-T.
Other names: c.1776C>T, p.Asp592= (NM_001350888.2, NM_001350890.2); c.1767C>T, p.Asp589= (NM_001350891.2); c.1647C>T, p.Asp549= (NM_001350892.2); c.1845C>T (NM_152327.3).
Identifiers: ClinVar variation 1557765 (VCV001557765.10), dbSNP rs199616462, ClinGen allele CA7337979.